The following is an entry in ClinVar:

NM_014159.7(SETD2):c.2618C>T (p.Pro873Leu)

Gene: SETD2 (SET domain containing 2, histone lysine methyltransferase; minus strand). Cytogenetic location: 3p21.31.
Variant type: single nucleotide variant.
Coding change: c.2618C>T on transcript NM_014159.7 (MANE Select); coding-DNA position 2618, C replaced by T.
Protein change: p.Pro873Leu; replaces proline 873 with leucine.
Molecular consequence: missense variant. On other transcripts: non-coding transcript variant (1).
Genome position (GRCh38, 1-based): chr3:47,122,018, G>A on the plus strand (C>T on the coding strand, the complement: SETD2 is on the minus strand). VCF-style: chr3-47122018-G-A. GRCh37 (hg19) VCF-style: chr3-47163508-G-A.
Other names: c.2486C>T, p.Pro829Leu (NM_001349370.3); short protein forms P829L, P873L.
Identifiers: ClinVar variation 3724633 (VCV003724633.2).

ClinVar aggregate classification (germline): Uncertain significance (1 of 4 stars; one submission).

Conditions:
Luscan-Lumish syndrome. Identifiers: Orphanet 597738, MedGen C4085873, MONDO:0014791, OMIM 616831.

gnomAD v4.1: 17 of 1,613,664 alleles (0.0011%); highest among the groups gnomAD compares: East Asian, 0.038%; no homozygotes.

Submission:

Labcorp Genetics (formerly Invitae), Labcorp
Classification: Uncertain significance for Luscan-Lumish syndrome. Last evaluated: 2024-12-16. Review status: criteria provided, single submitter. Criteria: Invitae Variant Classification Sherloc (09022015). Collection method: clinical testing. Allele origin: germline.
Comment: This sequence change replaces proline, which is neutral and non-polar, with leucine, which is neutral and non-polar, at codon 873 of the SETD2 protein (p.Pro873Leu). This variant is not present in population databases (gnomAD no frequency). This variant has not been reported in the literature in individuals affected with SETD2-related conditions. Invitae Evidence Modeling of protein sequence and biophysical properties (such as structural, functional, and spatial information, amino acid conservation, physicochemical variation, residue mobility, and thermodynamic stability) indicates that this missense variant is not expected to disrupt SETD2 protein function with a negative predictive value of 80%. In summary, the available evidence is currently insufficient to determine the role of this variant in disease. Therefore, it has been classified as a Variant of Uncertain Significance.